The following is an entry in ClinVar:

ClinVar aggregate classification (germline): Uncertain significance (1 of 4 stars; one submission).

Conditions:
EGFR-related lung cancer (EGFR). Identifiers: MedGen CN130014.

Submission:

Labcorp Genetics (formerly Invitae), Labcorp
Classification: Uncertain significance for EGFR-related lung cancer. Last evaluated: 2021-09-29. Review status: criteria provided, single submitter. Criteria: Invitae Variant Classification Sherloc (09022015). Collection method: clinical testing. Allele origin: germline.
Comment: In summary, the available evidence is currently insufficient to determine the role of this variant in disease. Therefore, it has been classified as a Variant of Uncertain Significance. Algorithms developed to predict the effect of missense changes on protein structure and function output the following: SIFT: "Tolerated"; PolyPhen-2: "Benign"; Align-GVGD: "Class C0". The glycine amino acid residue is found in multiple mammalian species, which suggests that this missense change does not adversely affect protein function. This variant has not been reported in the literature in individuals affected with EGFR-related conditions. This variant is not present in population databases (ExAC no frequency). This sequence change replaces serine with glycine at codon 193 of the EGFR protein (p.Ser193Gly). The serine residue is moderately conserved and there is a small physicochemical difference between serine and glycine.

NM_005228.5(EGFR):c.577A>G (p.Ser193Gly)

Gene: EGFR (epidermal growth factor receptor; plus strand). Cytogenetic location: 7p11.2.
Variant type: single nucleotide variant.
Coding change: c.577A>G on transcript NM_005228.5 (MANE Select); coding-DNA position 577, A replaced by G.
Protein change: p.Ser193Gly; replaces serine 193 with glycine.
Molecular consequence: missense variant. On other transcripts: intron variant (1).
Genome position (GRCh38, 1-based): chr7:55,151,311, A>G. VCF-style: chr7-55151311-A-G. GRCh37 (hg19) VCF-style: chr7-55219004-A-G.
Other names: c.442A>G, p.Ser148Gly (NM_001346897.2, NM_001346899.2); c.577A>G, p.Ser193Gly (NM_001346898.2, NM_201282.2, NM_201283.2 and 1 more transcripts); c.418A>G, p.Ser140Gly (NM_001346900.2); c.89-4519A>G (NM_001346941.2); short protein forms S148G, S193G, S140G.
Identifiers: ClinVar variation 1493476 (VCV001493476.6), dbSNP rs2128932492, ClinGen allele CA367576819.
Genomic context (GRCh38, chr7:55,151,311, plus strand): 5'-CATCATTTCACTGAGATATGCATCTATTACTTTTACATTTCAGGCCAAAAGTGTGATCCA[A>G]GCTGTCCCAATGGGAGCTGCTGGGGTGCAGGAGAGGAGAACTGCCAGAAACGTAAGTCAG-3'
Protein context (NP_005219.2, residues 183-203): HLGSCQKCDP[Ser193Gly]CPNGSCWGAG